The following is an entry in ClinVar:

NM_001395413.1(POR):c.1526T>C (p.Val509Ala)

Gene: POR (cytochrome p450 oxidoreductase; plus strand). Cytogenetic location: 7q11.23.
Variant type: single nucleotide variant.
Coding change: c.1526T>C on transcript NM_001395413.1 (MANE Select); coding-DNA position 1526, T replaced by C.
Protein change: p.Val509Ala; replaces valine 509 with alanine.
Molecular consequence: missense variant.
Genome position (GRCh38, 1-based): chr7:75,985,715, T>C. VCF-style: chr7-75985715-T-C. GRCh37 (hg19) VCF-style: chr7-75615033-T-C.
Other names: c.1526T>C, p.Val509Ala (NM_001367562.3, NM_001382657.2, NM_001382658.3 and 1 more transcripts); c.1580T>C, p.Val527Ala (NM_001382655.3); c.1376T>C, p.Val459Ala (NM_001382662.3); short protein forms V459A, V509A, V527A.
Identifiers: ClinVar variation 1387384 (VCV001387384.7), dbSNP rs1789403650, ClinGen allele CA367750147.
Genomic context (GRCh38, chr7:75,985,715, plus strand): 5'-TGGCCACCAACTGGCTGCGGGCCAAGGAGCCTGCCGGGGAGAACGGCGGCCGTGCGCTGG[T>C]GCCCATGTTCGTGCGCAAGTCCCAGTTCCGCCTGCCCTTCAAGGCCACCACGCCTGTCAT-3'
Protein context (NP_001382342.1, residues 499-519): PAGENGGRAL[Val509Ala]PMFVRKSQFR

ClinVar aggregate classification (germline): Uncertain significance (1 of 4 stars; one submission).

Conditions:
Congenital adrenal hyperplasia due to cytochrome P450 oxidoreductase deficiency. Also called: DISORDERED STEROIDOGENESIS DUE TO POR DEFICIENCY. Identifiers: Orphanet 95699, MedGen C1860042, MONDO:0013310, OMIM 613571.

Allele frequency attached by ClinVar (database versions not stated): gnomAD 0.00001; gnomAD exomes 0.00001; TOPMed 0.00001.
gnomAD v4.1: 9 of 1,587,568 alleles (0.00057%); highest among the groups gnomAD compares: Non-Finnish European, 0.00077%; no homozygotes.

Submission:

Labcorp Genetics (formerly Invitae), Labcorp
Classification: Uncertain significance for Congenital adrenal hyperplasia due to cytochrome P450 oxidoreductase deficiency. Last evaluated: 2024-02-17. Review status: criteria provided, single submitter. Criteria: Invitae Variant Classification Sherloc (09022015). Collection method: clinical testing. Allele origin: germline.
Comment: This sequence change replaces valine, which is neutral and non-polar, with alanine, which is neutral and non-polar, at codon 512 of the POR protein (p.Val512Ala). This variant is not present in population databases (gnomAD no frequency). This variant has not been reported in the literature in individuals affected with POR-related conditions. ClinVar contains an entry for this variant (Variation ID: 1387384). Advanced modeling of protein sequence and biophysical properties (such as structural, functional, and spatial information, amino acid conservation, physicochemical variation, residue mobility, and thermodynamic stability) performed at Invitae indicates that this missense variant is not expected to disrupt POR protein function with a negative predictive value of 80%. In summary, the available evidence is currently insufficient to determine the role of this variant in disease. Therefore, it has been classified as a Variant of Uncertain Significance.